The following is an entry in ClinVar:

ClinVar aggregate classification (germline): Likely benign (1 of 4 stars; one submission).

Submission:

CeGaT Center for Human Genetics Tuebingen
Classification: Likely benign. Last evaluated: 2022-11-01. Review status: criteria provided, single submitter. Criteria: CeGaT Center For Human Genetics Tuebingen Variant Classification Criteria Version 2. Collection method: clinical testing. Allele origin: germline. Affected: yes. Observed: 1 variant allele.
Comment: IL1RAPL2: BS2; TEX13A: BS2

NM_017416.2(IL1RAPL2):c.357-14539TGAGTA[2]

Genes: IL1RAPL2 (interleukin 1 receptor accessory protein like 2; plus strand), TEX13A (testis expressed 13A; minus strand). Cytogenetic location: Xq22.3.
Variant type: Microsatellite.
Coding change: c.357-14539TGAGTA[2] on transcript NM_017416.2 (MANE Select); two copies in a row of the 6-base unit TGAGTA starting at c.357-14539.
Molecular consequence: intron variant. On other transcripts: inframe deletion (2).
Genome position: GRCh38 VCF-style: chrX-105219278-TTGAGTA-T. GRCh37 (hg19) VCF-style: chrX-104463960-TTGAGTA-T.
Other names: c.898TACTCA[2], p.300YS[2] (NM_001291277.2, NM_031274.5).
Identifiers: ClinVar variation 2661119 (VCV002661119.24), dbSNP rs782595598, ClinGen allele CA10480336.
Genomic context (GRCh38, chrX:105,219,278, plus strand): 5'-CTGTGACTGTTGCTTGTGGAGGGGATATAGTGGGTATGTCTGAGAAGGAGGAAAAAGGGC[TTGAGTA>T]TGAGTATGAGTATGAGGCAGGGAGCTGGACAGGAAGAGGTTCTGATGAGGCTCTGGACCA-3'